The following is an entry in ClinVar:

ClinVar aggregate classification (germline): Uncertain significance (1 of 4 stars; one submission).

Submission:

Labcorp Genetics (formerly Invitae), Labcorp
Classification: Uncertain significance. Last evaluated: 2021-10-15. Review status: criteria provided, single submitter. Criteria: Invitae Variant Classification Sherloc (09022015). Collection method: clinical testing. Allele origin: germline.
Comment: In summary, the available evidence is currently insufficient to determine the role of this variant in disease. Therefore, it has been classified as a Variant of Uncertain Significance. This variant has not been reported in the literature in individuals affected with EFL1-related conditions. This variant is a gross deletion of the genomic region encompassing exon(s) 18 of the EFL1 gene. This deletion is out-of-frame, and is expected to create a premature translational stop signal and result in an absent or disrupted protein product. However, the current clinical and genetic evidence is not sufficient to establish whether loss-of-function variants in EFL1 cause disease.

NC_000015.9:g.(?_82443786)_(82444784_?)del

Gene: EFL1 (elongation factor like GTPase 1; minus strand). Cytogenetic location: 15q25.2.
Variant type: Deletion.
Identifiers: ClinVar variation 1450945 (VCV001450945.4).